The following is an entry in ClinVar:

ClinVar aggregate classification (germline): Likely benign. Review status: criteria provided, multiple submitters, no conflicts (2 of 4 stars). 6 submissions from 6 submitters: Likely benign (5). 1 of the submissions does not count toward it. Last evaluated 2026-09-01.

Conditions:
CENPF-related disorder. Also called: CENPF-related condition.

Allele frequency attached by ClinVar (database versions not stated): gnomAD exomes 0.00241 and 0.00301; TOPMed 0.00269; gnomAD 0.00280 and 0.00288; 1000 Genomes Project 0.00080; 1000 Genomes Project 30x 0.00125; ExAC 0.00216; ESP Exome Variant Server 0.00231.
gnomAD v4.1: 4,834 of 1,613,010 alleles (0.3%); highest among the groups gnomAD compares: Middle Eastern, 0.4%; 8 homozygotes.

Submissions (6):

CeGaT Center for Human Genetics Tuebingen
Classification: Likely benign. Last evaluated: 2026-09-01. Review status: criteria provided, single submitter. Criteria: CeGaT Center For Human Genetics Tuebingen Variant Classification Criteria Version 2. Collection method: clinical testing. Allele origin: germline. Affected: yes. Observed: 14 variant alleles.
Comment: CENPF: BP4

Labcorp Genetics (formerly Invitae), Labcorp
Classification: Likely benign. Last evaluated: 2026-01-26. Review status: criteria provided, single submitter. Criteria: Invitae Variant Classification Sherloc (09022015). Collection method: clinical testing. Allele origin: germline.

Blueprint Genetics
Classification: Likely benign. Last evaluated: 2024-11-25. Review status: criteria provided, single submitter. Criteria: ACMG Guidelines, 2015. Collection method: clinical testing. Allele origin: germline.

GeneDx
Classification: Likely benign. Last evaluated: 2021-01-05. Review status: criteria provided, single submitter. Criteria: GeneDx Variant Classification Process June 2021. Collection method: clinical testing. Allele origin: germline. Affected: yes.

Breakthrough Genomics
Classification: Likely benign. Review status: criteria provided, single submitter. Criteria: ACMG Guidelines, 2015. Collection method: not provided. Allele origin: germline. Inheritance: Autosomal recessive inheritance. Affected: yes.

PreventionGenetics, part of Exact Sciences
Classification: Likely benign for CENPF-related condition. Last evaluated: 2022-07-27. Review status: no assertion criteria provided. Collection method: clinical testing. Allele origin: germline. Not counted in ClinVar's aggregate classification.
Comment: This variant is classified as likely benign based on ACMG/AMP sequence variant interpretation guidelines (Richards et al. 2015 PMID: 25741868, with internal and published modifications).

NM_016343.4(CENPF):c.5378G>A (p.Arg1793His)

Gene: CENPF (centromere protein F; plus strand). Cytogenetic location: 1q41.
Variant type: single nucleotide variant.
Coding change: c.5378G>A on transcript NM_016343.4 (MANE Select); coding-DNA position 5378, G replaced by A.
Protein change: p.Arg1793His; replaces arginine 1793 with histidine.
Molecular consequence: missense variant.
Genome position (GRCh38, 1-based): chr1:214,644,948, G>A. VCF-style: chr1-214644948-G-A. GRCh37 (hg19) VCF-style: chr1-214818291-G-A.
Other names: short protein forms R1793H.
Identifiers: ClinVar variation 791520 (VCV000791520.45), dbSNP rs143725699, ClinGen allele CA1390781.